The following is an entry in ClinVar:

NM_001130438.3(SPTAN1):c.1639C>T (p.Arg547Cys)

Gene: SPTAN1 (spectrin alpha, non-erythrocytic 1; plus strand). Cytogenetic location: 9q34.11.
Variant type: single nucleotide variant.
Coding change: c.1639C>T on transcript NM_001130438.3 (MANE Select); coding-DNA position 1639, C replaced by T.
Protein change: p.Arg547Cys; replaces arginine 547 with cysteine.
Molecular consequence: missense variant.
Genome position (GRCh38, 1-based): chr9:128,582,545, C>T. VCF-style: chr9-128582545-C-T. GRCh37 (hg19) VCF-style: chr9-131344824-C-T.
Other names: p.Arg547Cys; c.1639C>T, p.Arg547Cys (NM_001195532.2, NM_001363759.2, NM_001363765.2 and 5 more transcripts); c.1675C>T, p.Arg559Cys (NM_001375312.2, NM_001375318.1); c.1639C>T (NM_001130438.2); short protein forms R547C, R559C.
Identifiers: ClinVar variation 2729186 (VCV002729186.5), dbSNP rs779260779, ClinGen allele CA5264456.

ClinVar aggregate classification (germline): Uncertain significance. Review status: criteria provided, multiple submitters, no conflicts (2 of 4 stars). 3 submissions from 3 submitters: Uncertain significance (3). Last evaluated 2025-10-23.

Conditions:
Early-infantile DEE. Also called: Early infantile epileptic encephalopathy; Early infantile epileptic encephalopathy with suppression bursts; Ohtahara syndrome. Identifiers: Orphanet 1934, MedGen C0393706, MONDO:0800491.

Allele frequency attached by ClinVar (database versions not stated): ExAC 0.00001; gnomAD 0.00001.
gnomAD v4.1: 6 of 1,613,760 alleles (0.00037%); highest among the groups gnomAD compares: African/African-American, 0.0027%; no homozygotes.

Submissions (3):

Mayo Clinic Laboratories, Mayo Clinic
Classification: Uncertain significance. Last evaluated: 2025-10-23. Review status: criteria provided, single submitter. Criteria: ACMG Guidelines, 2015. Collection method: clinical testing. Allele origin: germline. Observed: 1 variant allele.

GeneDx
Classification: Uncertain significance. Last evaluated: 2023-07-11. Review status: criteria provided, single submitter. Criteria: GeneDx Variant Classification Process June 2021. Collection method: clinical testing. Allele origin: germline. Affected: yes.
Comment: In silico analysis supports that this missense variant has a deleterious effect on protein structure/function; Missense variant in a gene in which most reported pathogenic variants are truncating/loss of function; Has not been previously published as pathogenic or benign to our knowledge

Labcorp Genetics (formerly Invitae), Labcorp
Classification: Uncertain significance for Early-infantile DEE. Last evaluated: 2022-11-10. Review status: criteria provided, single submitter. Criteria: Invitae Variant Classification Sherloc (09022015). Collection method: clinical testing. Allele origin: germline.
Comment: This variant is present in population databases (rs779260779, gnomAD 0.008%). This sequence change replaces arginine, which is basic and polar, with cysteine, which is neutral and slightly polar, at codon 547 of the SPTAN1 protein (p.Arg547Cys). This variant has not been reported in the literature in individuals affected with SPTAN1-related conditions. Algorithms developed to predict the effect of missense changes on protein structure and function (SIFT, PolyPhen-2, Align-GVGD) all suggest that this variant is likely to be disruptive. In summary, the available evidence is currently insufficient to determine the role of this variant in disease. Therefore, it has been classified as a Variant of Uncertain Significance.